The following is an entry in ClinVar:

ClinVar aggregate classification (germline): Uncertain significance. Review status: criteria provided, multiple submitters, no conflicts (2 of 4 stars). 2 submissions from 2 submitters: Uncertain significance (2). Last evaluated 2026-05-15.

Conditions:
Hereditary cancer-predisposing syndrome. Also called: Neoplastic Syndromes, Hereditary; Tumor predisposition; Hereditary Cancer Syndrome; Hereditary neoplastic syndrome. Identifiers: Orphanet 140162, MedGen C0027672, MeSH D009386, MONDO:0015356.

Submissions (2):

Ambry Genetics
Classification: Uncertain significance for Hereditary cancer-predisposing syndrome. Last evaluated: 2026-05-15. Review status: criteria provided, single submitter. Criteria: Ambry Variant Classification Scheme 2023. Collection method: clinical testing. Allele origin: germline.
Comment: The p.A661V variant (also known as c.1982C>T), located in coding exon 18 of the POLE gene, results from a C to T substitution at nucleotide position 1982. The alanine at codon 661 is replaced by valine, an amino acid with similar properties. This amino acid position is conserved. In addition, the in silico prediction for this alteration is inconclusive. Based on the available evidence, the clinical significance of this variant remains unclear.

Labcorp Genetics (formerly Invitae), Labcorp
Classification: Uncertain significance. Last evaluated: 2025-03-30. Review status: criteria provided, single submitter. Criteria: Invitae Variant Classification Sherloc (09022015). Collection method: clinical testing. Allele origin: germline.
Comment: This sequence change replaces alanine, which is neutral and non-polar, with valine, which is neutral and non-polar, at codon 661 of the POLE protein (p.Ala661Val). This variant is not present in population databases (gnomAD no frequency). This variant has not been reported in the literature in individuals affected with POLE-related conditions. ClinVar contains an entry for this variant (Variation ID: 2003508). Invitae Evidence Modeling of protein sequence and biophysical properties (such as structural, functional, and spatial information, amino acid conservation, physicochemical variation, residue mobility, and thermodynamic stability) indicates that this missense variant is not expected to disrupt POLE protein function with a negative predictive value of 80%. In summary, the available evidence is currently insufficient to determine the role of this variant in disease. Therefore, it has been classified as a Variant of Uncertain Significance.

NM_006231.4(POLE):c.1982C>T (p.Ala661Val)

Gene: POLE (DNA polymerase epsilon, catalytic subunit; minus strand). Cytogenetic location: 12q24.33.
Variant type: single nucleotide variant.
Coding change: c.1982C>T on transcript NM_006231.4 (MANE Select); coding-DNA position 1982, C replaced by T.
Protein change: p.Ala661Val; replaces alanine 661 with valine.
Molecular consequence: missense variant.
Genome position (GRCh38, 1-based): chr12:132,668,679, G>A on the plus strand (C>T on the coding strand, the complement: POLE is on the minus strand). VCF-style: chr12-132668679-G-A. GRCh37 (hg19) VCF-style: chr12-133245265-G-A.
Other names: c.1982C>T (NM_006231.2); short protein forms A661V.
Identifiers: ClinVar variation 2003508 (VCV002003508.5), dbSNP rs2042853761, ClinGen allele CA387354946.